The following is an entry in ClinVar:

ClinVar aggregate classification (germline): Pathogenic. Review status: criteria provided, multiple submitters, no conflicts (2 of 4 stars). 6 submissions from 6 submitters: Pathogenic (5). 1 of the submissions does not count toward it. Last evaluated 2025-12-08.

Conditions:
Propionic acidemia (PROP). Also called: GLYCINEMIA, KETOTIC; HYPERGLYCINEMIA WITH KETOACIDOSIS AND LEUKOPENIA; KETOTIC HYPERGLYCINEMIA. Identifiers: Orphanet 35, MedGen C0268579, MONDO:0011628, OMIM 606054, HP:0003571.

Allele frequency attached by ClinVar (database versions not stated): gnomAD exomes 0.00002; ExAC 0.00003; TOPMed 0.00003; gnomAD 0.00004 and 0.00006; ESP Exome Variant Server 0.00008.
gnomAD v4.1: 30 of 1,609,556 alleles (0.0019%); highest among the groups gnomAD compares: East Asian, 0.022%; no homozygotes.

Submissions (6):

Labcorp Genetics (formerly Invitae), Labcorp
Classification: Pathogenic for Propionic acidemia. Last evaluated: 2025-12-08. Review status: criteria provided, single submitter. Criteria: Invitae Variant Classification Sherloc (09022015). Collection method: clinical testing. Allele origin: germline.
Comment: This sequence change replaces arginine, which is basic and polar, with tryptophan, which is neutral and slightly polar, at codon 77 of the PCCA protein (p.Arg77Trp). This variant is present in population databases (rs141371306, gnomAD 0.02%). This missense change has been observed in individual(s) with propionic acidemia (PMID: 10780784, 15059621, 20549364, 24863100). This variant is also known as 154C>T (R52W). ClinVar contains an entry for this variant (Variation ID: 550747). An algorithm developed to predict the effect of missense changes on protein structure and function (PolyPhen-2) suggests that this variant is likely to be disruptive. Experimental studies have shown that this missense change affects PCCA function (PMID: 12385775). For these reasons, this variant has been classified as Pathogenic.

Natera, Inc.
Classification: Pathogenic for Propionic acidemia. Last evaluated: 2024-11-04. Review status: criteria provided, single submitter. Criteria: Natera Variant Classification Schema (03/2026). Collection method: clinical testing. Allele origin: germline.
Comment: The c.229C>T variant in PCCA is a missense variant predicted to cause substitution of arginine to tryptophan at amino acid 77. This variant is rare in the general population with a frequency below the threshold expected for the associated phenotype(s). This variant has been observed in one or more individuals affected with the associated recessive disease, as either homozygous or compound heterozygous with a second variant (PMID: 15059621). Computational prediction algorithms indicate this variant is likely to affect gene or protein function. Given the available evidence, this variant is classified as Pathogenic.

Fulgent Genetics
Classification: Pathogenic for Propionic acidemia. Last evaluated: 2024-05-11. Review status: criteria provided, single submitter. Criteria: ACMG Guidelines, 2015. Collection method: clinical testing. Allele origin: germline.

Revvity Omics, Revvity
Classification: Pathogenic for Propionic acidemia. Last evaluated: 2024-01-25. Review status: criteria provided, single submitter. Criteria: ACMG Guidelines, 2015. Collection method: clinical testing. Allele origin: germline.

Women's Health and Genetics/Laboratory Corporation of America, LabCorp
Classification: Pathogenic for Propionyl-CoA carboxylase deficiency. Last evaluated: 2018-11-29. Review status: criteria provided, single submitter. Criteria: LabCorp Variant Classification Summary - May 2015. Collection method: clinical testing. Allele origin: germline.
Comment: Variant summary: PCCA c.229C>T (p.Arg77Trp) results in a non-conservative amino acid change located in the Biotin carboxylation domain & Biotin carboxylase-like, N-terminal domain of the encoded protein sequence. Five of five in-silico tools predict a damaging effect of the variant on protein function. The variant allele was found at a frequency of 2e-05 in 245438 control chromosomes (gnomAD). c.229C>T has been reported in the literature in individuals affected with Propionic Acidemia (Chiu_2014, Perez_2010, Yang_2004, Perez-Cerda_2000). These data indicate that the variant is likely to be associated with disease. Experimental evidence reported in a publication evaluating an impact on protein function (Clavero_2002) demonstrated the variant to clearly diminish PCC activity (<10% of normal activity). A ClinVar submission from a clinical diagnostic laboratory (evaluation after 2014) cites the variant as likely pathogenic. Based on the evidence outlined above, the variant was classified as pathogenic.

Counsyl
Classification: Likely pathogenic for Propionic acidemia. Last evaluated: 2017-02-15. Review status: no assertion criteria provided. Collection method: clinical testing. Allele origin: unknown. Not counted in ClinVar's aggregate classification.

Literature cited by the submitters: PubMed 10780784 (cited by Labcorp Genetics (formerly Invitae), Labcorp and Women's Health and Genetics/Laboratory Corporation of America, LabCorp); PubMed 15059621 (cited by 4 submitters); PubMed 20549364 (cited by 3 submitters); PubMed 24863100 (cited by 3 submitters); PubMed 12385775 (cited by 3 submitters); PubMed 10101253 (cited by Counsyl); PubMed 20725044 (cited by Counsyl).

NM_000282.4(PCCA):c.229C>T (p.Arg77Trp)

Gene: PCCA (propionyl-CoA carboxylase subunit alpha; plus strand). Cytogenetic location: 13q32.3.
Variant type: single nucleotide variant.
Coding change: c.229C>T on transcript NM_000282.4 (MANE Select); coding-DNA position 229, C replaced by T.
Protein change: p.Arg77Trp; replaces arginine 77 with tryptophan.
Molecular consequence: missense variant. On other transcripts: 5 prime UTR variant (3), non-coding transcript variant (5).
Genome position (GRCh38, 1-based): chr13:100,111,886, C>T. VCF-style: chr13-100111886-C-T. GRCh37 (hg19) VCF-style: chr13-100764140-C-T.
Other names: c.151C>T, p.Arg51Trp (NM_001127692.3, NM_001352607.2, NM_001352608.2); c.229C>T, p.Arg77Trp (NM_001178004.2, NM_001352605.2, NM_001352606.2 and 1 more transcripts); c.-638C>T (NM_001352610.2, NM_001352611.2, NM_001352612.2); short protein forms R77W, R51W.
Identifiers: ClinVar variation 550747 (VCV000550747.20), dbSNP rs141371306, ClinGen allele CA7033140.
Genomic context (GRCh38, chr13:100,111,886, plus strand): 5'-TTTTTCTCTCTTCAGACTTTTGATAAAATTCTTGTTGCTAATAGAGGAGAAATTGCATGT[C>T]GGGTGAGTAGAATTTTCGTCTTATTTTCCATTTTACTCTGAAATTATTTATTAAACCCCT-3'
Protein context (NP_000273.2, residues 67-87): LVANRGEIAC[Arg77Trp]VIRTCKKMGI